The following is an entry in ClinVar:

NM_015488.5(PNKD):c.25G>C (p.Ala9Pro)

Genes: PNKD (PNKD metallo-beta-lactamase domain containing; plus strand), LOC129935594 (ATAC-STARR-seq lymphoblastoid active region 17117; plus strand). Cytogenetic location: 2q35.
Variant type: single nucleotide variant.
Coding change: c.25G>C on transcript NM_015488.5 (MANE Select); coding-DNA position 25, G replaced by C.
Protein change: p.Ala9Pro; replaces alanine 9 with proline.
Molecular consequence: missense variant.
Genome position (GRCh38, 1-based): chr2:218,270,560, G>C. VCF-style: chr2-218270560-G-C. GRCh37 (hg19) VCF-style: chr2-219135283-G-C.
Other names: c.25G>C, p.Ala9Pro (NM_001077399.3); short protein forms A9P.
Identifiers: ClinVar variation 1304272 (VCV001304272.2), dbSNP rs2106176431, ClinGen allele CA350543574.

ClinVar aggregate classification (germline): Uncertain significance (1 of 4 stars; one submission).

Submission:

GeneDx
Classification: Uncertain significance. Last evaluated: 2018-11-01. Review status: criteria provided, single submitter. Criteria: GeneDx Variant Classification Process June 2021. Collection method: clinical testing. Allele origin: germline. Affected: yes.
Comment: Not observed in large population cohorts (Lek et al., 2016); In silico analysis, which includes protein predictors and evolutionary conservation, supports that this variant does not alter protein structure/function; Has not been previously published as pathogenic or benign to our knowledge